The following is an entry in ClinVar:

NM_000548.5(TSC2):c.600-2A>G

Gene: TSC2 (TSC complex subunit 2; plus strand). Cytogenetic location: 16p13.3.
Variant type: single nucleotide variant.
Coding change: c.600-2A>G on transcript NM_000548.5 (MANE Select); the canonical splice acceptor site of the intron before coding-DNA position 600, A replaced by G.
Molecular consequence: splice acceptor variant. On other transcripts: 5 prime UTR variant (4).
Genome position (GRCh38, 1-based): chr16:2,056,194, A>G. VCF-style: chr16-2056194-A-G. GRCh37 (hg19) VCF-style: chr16-2106195-A-G.
Other names: c.600-2A>G (NM_001077183.3, NM_001406671.1, NM_001406673.1 and 8 more transcripts); c.-713-2A>G (NM_001406694.1, NM_001406695.1); c.-820-2A>G (NM_001406696.1); c.138-2A>G (NM_001406681.1); c.489-2A>G (NM_001406670.1, NM_001318827.2, NM_001406678.1); c.-1-2A>G (NM_001406682.1, NM_001406684.1, NM_001406685.1 and 3 more transcripts); c.543-2A>G (NM_001406677.1); c.453-2A>G (NM_001406675.1, NM_001406676.1, NM_001318829.2 and 1 more transcripts); and 6 more.
Identifiers: ClinVar variation 49903 (VCV000049903.3), dbSNP rs45468592, ClinGen allele CA022669.

ClinVar aggregate classification (germline): Likely pathogenic. Review status: criteria provided, multiple submitters, no conflicts (2 of 4 stars). 3 submissions from 3 submitters: Likely pathogenic (2). 1 of the submissions does not count toward it. Last evaluated 2026-04-29.

Conditions:
Hereditary cancer-predisposing syndrome. Also called: Neoplastic Syndromes, Hereditary; Hereditary neoplastic syndrome; Tumor predisposition; Hereditary Cancer Syndrome. Identifiers: Orphanet 140162, MedGen C0027672, MeSH D009386, MONDO:0015356.
Tuberous sclerosis syndrome (TSC). Also called: Tuberous sclerosis; Tuberous Sclerosis Complex. Identifiers: Orphanet 805, MedGen C0041341, MONDO:0001734.
Tuberous sclerosis 2 (TSC2). Identifiers: Orphanet 805, MedGen C1860707, MONDO:0013199, OMIM 613254.

Submissions (3):

Ambry Genetics
Classification: Likely pathogenic for Hereditary cancer-predisposing syndrome. Last evaluated: 2026-04-29. Review status: criteria provided, single submitter. Criteria: Ambry Variant Classification Scheme 2023. Collection method: clinical testing. Allele origin: germline.
Comment: The c.600-2A>G intronic variant results from an A to G substitution two nucleotides upstream from coding exon 6 in the TSC2 gene. This variant was reported in individuals with features consistent with tuberous sclerosis complex; in at least one individual, it was determined to be de novo (Dabora SL et al. Am J Hum Genet, 2001 Jan;68:64-80; Langkau N et al. Eur J Pediatr, 2002 Jul;161:393-402; Suspitsin EN et al. J Hum Genet, 2018 May;63:597-604; Shin HJ et al. Neurogenetics, 2024 Oct;25:471-479; Dufner-Almeida LG et al. Genes (Basel), 2024 Nov;15:). This variant is considered to be rare based on population cohorts in the Genome Aggregation Database (gnomAD). This nucleotide position is highly conserved in available vertebrate species. In silico splice site analysis predicts that this alteration will weaken the native splice acceptor site; however, direct evidence is insufficient at this time (Ambry internal data). Variants that disrupt the canonical splice site are expected to cause aberrant splicing, resulting in an abnormal protein or a transcript that is subject to nonsense-mediated mRNA decay. As such, this variant is classified as likely pathogenic.

3billion
Classification: Likely pathogenic for Tuberous sclerosis 2. Last evaluated: 2022-09-01. Review status: criteria provided, single submitter. Criteria: ACMG Guidelines, 2015. Collection method: clinical testing. Allele origin: germline. Affected: yes. Observed: 1 heterozygote.
Comment: The variant is not observed in the gnomAD v2.1.1 dataset. Canonical splice site is predicted to alter splicing and result in a loss or disruption of normal protein function. Multiple pathogenic loss-of-function variants are reported downstream of the variant. Therefore, this variant is classified as Likely pathogenic according to the recommendation of ACMG/AMP guideline.

Tuberous sclerosis database (TSC2)
No classification provided. Condition: TSC. Review status: no classification provided. Criteria: Tuberous Sclerosis Database Assertion Criteria 2015. Collection method: curation. Allele origin: germline. Affected: yes. Not counted in ClinVar's aggregate classification.

Literature cited by the submitters: PubMed 11112665 (cited by Ambry Genetics); PubMed 12111193 (cited by Ambry Genetics); PubMed 29476190 (cited by Ambry Genetics); PubMed 39110368 (cited by Ambry Genetics); PubMed 39596632 (cited by Ambry Genetics).